The following is an entry in ClinVar:

NM_001375380.1(EBF3):c.509G>A (p.Cys170Tyr)

Gene: EBF3 (EBF transcription factor 3; minus strand). Cytogenetic location: 10q26.3.
Variant type: single nucleotide variant.
Coding change: c.509G>A on transcript NM_001375380.1 (MANE Select); coding-DNA position 509, G replaced by A.
Protein change: p.Cys170Tyr; replaces cysteine 170 with tyrosine.
Molecular consequence: missense variant.
Genome position (GRCh38, 1-based): chr10:129,957,303, C>T on the plus strand (G>A on the coding strand, the complement: EBF3 is on the minus strand). VCF-style: chr10-129957303-C-T. GRCh37 (hg19) VCF-style: chr10-131755567-C-T.
Other names: c.509G>A, p.Cys170Tyr (NM_001005463.3, NM_001375379.1, NM_001375389.1 and 3 more transcripts); short protein forms C170Y.
Identifiers: ClinVar variation 3897188 (VCV003897188.1).

ClinVar aggregate classification (germline): Likely pathogenic (1 of 4 stars; one submission).

Submission:

GeneDx
Classification: Likely pathogenic. Last evaluated: 2024-10-31. Review status: criteria provided, single submitter. Criteria: GeneDx Variant Classification Process June 2021. Collection method: clinical testing. Allele origin: germline. Affected: yes.
Comment: Reported as an apparently de novo variant in a patient with features of EBF3-related disorder in the published literature (PMID: 35340043); Not observed at significant frequency in large population cohorts (gnomAD); In silico analysis supports that this missense variant has a deleterious effect on protein structure/function; This variant is associated with the following publications: (PMID: 35340043)